The following is an entry in ClinVar:

NM_001042545.2(LTBP4):c.1276A>G (p.Thr426Ala)

Gene: LTBP4 (latent transforming growth factor beta binding protein 4; plus strand). Cytogenetic location: 19q13.2.
Variant type: single nucleotide variant.
Coding change: c.1276A>G on transcript NM_001042545.2 (MANE Select); coding-DNA position 1276, A replaced by G.
Protein change: p.Thr426Ala; replaces threonine 426 with alanine.
Molecular consequence: missense variant.
Genome position (GRCh38, 1-based): chr19:40,608,339, A>G. VCF-style: chr19-40608339-A-G. GRCh37 (hg19) VCF-style: chr19-41114245-A-G.
Other names: c.1477A>G, p.Thr493Ala (NM_001042544.1); c.1366A>G, p.Thr456Ala (NM_003573.2); short protein forms T426A, T456A, T493A.
Identifiers: ClinVar variation 1196787 (VCV001196787.8), dbSNP rs376979408, ClinGen allele CA9448238.

ClinVar aggregate classification (germline): Conflicting classifications of pathogenicity. Review status: criteria provided, conflicting classifications (1 of 4 stars). 3 submissions from 3 submitters: Uncertain significance (2); Likely benign (1). Last evaluated 2022-11-21.

Conditions:
Inborn genetic diseases. Identifiers: MedGen C0950123, MeSH D030342.

Allele frequency attached by ClinVar (database versions not stated): gnomAD exomes 0.00002 and 0.00011; ExAC 0.00011; 1000 Genomes Project 30x 0.00016; 1000 Genomes Project 0.00020; gnomAD 0.00042 and 0.00046; TOPMed 0.00045; ESP Exome Variant Server 0.00081.
gnomAD v4.1: 100 of 1,613,290 alleles (0.0062%); highest among the groups gnomAD compares: African/African-American, 0.11%; no homozygotes.

Submissions (3):

Ambry Genetics
Classification: Likely benign for Inborn genetic diseases. Last evaluated: 2022-11-21. Review status: criteria provided, single submitter. Criteria: Ambry Variant Classification Scheme 2023. Collection method: clinical testing. Allele origin: germline.

GeneDx
Classification: Uncertain significance. Last evaluated: 2022-10-24. Review status: criteria provided, single submitter. Criteria: GeneDx Variant Classification Process June 2021. Collection method: clinical testing. Allele origin: germline. Affected: yes.
Comment: In silico analysis supports that this missense variant does not alter protein structure/function; Has not been previously published as pathogenic or benign to our knowledge

Labcorp Genetics (formerly Invitae), Labcorp
Classification: Uncertain significance. Last evaluated: 2022-08-23. Review status: criteria provided, single submitter. Criteria: Invitae Variant Classification Sherloc (09022015). Collection method: clinical testing. Allele origin: germline.
Comment: This sequence change replaces threonine with alanine at codon 456 of the LTBP4 protein (p.Thr456Ala). The threonine residue is weakly conserved and there is a small physicochemical difference between threonine and alanine. This variant is present in population databases (rs376979408, gnomAD 0.1%). This variant has not been reported in the literature in individuals affected with LTBP4-related conditions. ClinVar contains an entry for this variant (Variation ID: 1196787). Experimental studies and prediction algorithms are not available or were not evaluated, and the functional significance of this variant is currently unknown. In summary, the available evidence is currently insufficient to determine the role of this variant in disease. Therefore, it has been classified as a Variant of Uncertain Significance.